The following is an entry in ClinVar:

NM_000130.5(F5):c.4069C>T (p.Leu1357Phe)

Gene: F5 (coagulation factor V; minus strand). Cytogenetic location: 1q24.2.
Variant type: single nucleotide variant.
Coding change: c.4069C>T on transcript NM_000130.5 (MANE Select); coding-DNA position 4069, C replaced by T.
Protein change: p.Leu1357Phe; replaces leucine 1357 with phenylalanine.
Molecular consequence: missense variant.
Genome position (GRCh38, 1-based): chr1:169,541,021, G>A on the plus strand (C>T on the coding strand, the complement: F5 is on the minus strand). VCF-style: chr1-169541021-G-A. GRCh37 (hg19) VCF-style: chr1-169510259-G-A.
Other names: short protein forms L1357F.
Identifiers: ClinVar variation 1737521 (VCV001737521.2), dbSNP rs1416619327, ClinGen allele CA343145781.

ClinVar aggregate classification (germline): Uncertain significance (1 of 4 stars; one submission).

Conditions:
Inborn genetic diseases. Identifiers: MedGen C0950123, MeSH D030342.

Allele frequency attached by ClinVar (database versions not stated): TOPMed 0.00001.
gnomAD v4.1: 2 of 1,589,572 alleles (0.00013%); highest among the groups gnomAD compares: Non-Finnish European, 0.000086%; no homozygotes.

Submission:

Ambry Genetics
Classification: Uncertain significance for Inborn genetic diseases. Last evaluated: 2022-03-30. Review status: criteria provided, single submitter. Criteria: Ambry Variant Classification Scheme 2023. Collection method: clinical testing. Allele origin: germline.
Comment: The p.L1357F variant (also known as c.4069C>T), located in coding exon 13 of the F5 gene, results from a C to T substitution at nucleotide position 4069. The leucine at codon 1357 is replaced by phenylalanine, an amino acid with highly similar properties. This amino acid position is conserved. In addition, this alteration is predicted to be tolerated by in silico analysis. Since supporting evidence is limited at this time, the clinical significance of this alteration remains unclear.